The following is an entry in ClinVar:

NM_012213.3(MLYCD):c.1044G>T (p.Glu348Asp)

Gene: MLYCD (malonyl-CoA decarboxylase; plus strand). Cytogenetic location: 16q23.3.
Variant type: single nucleotide variant.
Coding change: c.1044G>T on transcript NM_012213.3 (MANE Select); coding-DNA position 1044, G replaced by T.
Protein change: p.Glu348Asp; replaces glutamic acid 348 with aspartic acid.
Molecular consequence: missense variant.
Genome position (GRCh38, 1-based): chr16:83,915,051, G>T. VCF-style: chr16-83915051-G-T. GRCh37 (hg19) VCF-style: chr16-83948656-G-T.
Other names: short protein forms E348D.
Identifiers: ClinVar variation 320731 (VCV000320731.63), dbSNP rs138675420, ClinGen allele CA8197490.

ClinVar aggregate classification (germline): Conflicting classifications of pathogenicity. Review status: criteria provided, conflicting classifications (1 of 4 stars). 7 submissions from 7 submitters: Uncertain significance (1); Likely benign (5). 1 of the submissions does not count toward it. Last evaluated 2026-01-28.

Conditions:
MLYCD-related disorder. Also called: MLYCD-related condition.
Deficiency of malonyl-CoA decarboxylase. Also called: Malonic aciduria; MCD deficiency. Identifiers: Orphanet 943, MedGen C0342793, MONDO:0009556, OMIM 248360.

Allele frequency attached by ClinVar (database versions not stated): 1000 Genomes Project 0.00060; 1000 Genomes Project 30x 0.00078; gnomAD 0.00113 and 0.00118; TOPMed 0.00116; ESP Exome Variant Server 0.00140.

Submissions (7):

Labcorp Genetics (formerly Invitae), Labcorp
Classification: Likely benign for Deficiency of malonyl-CoA decarboxylase. Last evaluated: 2026-01-28. Review status: criteria provided, single submitter. Criteria: Invitae Variant Classification Sherloc (09022015). Collection method: clinical testing. Allele origin: germline.

Blueprint Genetics
Classification: Likely benign. Last evaluated: 2024-11-01. Review status: criteria provided, single submitter. Criteria: ACMG Guidelines, 2015. Collection method: clinical testing. Allele origin: germline.

ARUP Laboratories, Molecular Genetics and Genomics, ARUP Laboratories
Classification: Likely benign for Deficiency of malonyl-CoA decarboxylase. Last evaluated: 2024-08-09. Review status: criteria provided, single submitter. Criteria: ARUP Molecular Germline Variant Investigation Process 2024. Collection method: clinical testing. Allele origin: germline.

GeneDx
Classification: Likely benign. Last evaluated: 2020-11-05. Review status: criteria provided, single submitter. Criteria: GeneDx Variant Classification Process June 2021. Collection method: clinical testing. Allele origin: germline. Affected: yes.
Comment: In silico analysis, which includes protein predictors and evolutionary conservation, supports that this variant does not alter protein structure/function

Illumina Laboratory Services, Illumina
Classification: Likely benign for Deficiency of malonyl-CoA decarboxylase. Last evaluated: 2018-01-12. Review status: criteria provided, single submitter. Criteria: ICSL Variant Classification Criteria 13 December 2019. Collection method: clinical testing. Allele origin: germline.
Comment: This variant was observed in the ICSL laboratory as part of a predisposition screen in an ostensibly healthy population. It had not been previously curated by ICSL or reported in the Human Gene Mutation Database (HGMD: prior to June 1st, 2018), and was therefore a candidate for classification through an automated scoring system. Utilizing variant allele frequency, disease prevalence and penetrance estimates, and inheritance mode, an automated score was calculated to assess if this variant is too frequent to cause the disease. Based on the score and internal cut-off values, a variant classified as likely benign is not then subjected to further curation. The score for this variant resulted in a classification of likely benign for this disease.

CeGaT Center for Human Genetics Tuebingen
Classification: Uncertain significance. Last evaluated: 2016-06-01. Review status: criteria provided, single submitter. Criteria: CeGaT Center For Human Genetics Tuebingen Variant Classification Criteria Version 2. Collection method: clinical testing. Allele origin: germline. Affected: yes. Observed: 1 variant allele.

PreventionGenetics, part of Exact Sciences
Classification: Likely benign for MLYCD-related condition. Last evaluated: 2023-01-05. Review status: no assertion criteria provided. Collection method: clinical testing. Allele origin: germline. Not counted in ClinVar's aggregate classification.
Comment: This variant is classified as likely benign based on ACMG/AMP sequence variant interpretation guidelines (Richards et al. 2015 PMID: 25741868, with internal and published modifications).